The following is an entry in ClinVar:

ClinVar aggregate classification (germline): Uncertain significance (1 of 4 stars; one submission).

Conditions:
Inborn genetic diseases. Identifiers: MedGen C0950123, MeSH D030342.

Submission:

Ambry Genetics
Classification: Uncertain significance for Inborn genetic diseases. Last evaluated: 2024-01-25. Review status: criteria provided, single submitter. Criteria: Ambry Variant Classification Scheme 2023. Collection method: clinical testing. Allele origin: germline.
Comment: The p.L1804R variant (also known as c.5411T>G), located in coding exon 32 of the ATR gene, results from a T to G substitution at nucleotide position 5411. The leucine at codon 1804 is replaced by arginine, an amino acid with dissimilar properties. This amino acid position is conserved. In addition, this alteration is predicted to be deleterious by in silico analysis. Based on the available evidence, the clinical significance of this alteration remains unclear.

NM_001184.4(ATR):c.5411T>G (p.Leu1804Arg)

Gene: ATR (ATR checkpoint kinase; minus strand). Cytogenetic location: 3q23.
Variant type: single nucleotide variant.
Coding change: c.5411T>G on transcript NM_001184.4 (MANE Select); coding-DNA position 5411, T replaced by G.
Protein change: p.Leu1804Arg; replaces leucine 1804 with arginine.
Molecular consequence: missense variant.
Genome position (GRCh38, 1-based): chr3:142,498,744, A>C on the plus strand (T>G on the coding strand, the complement: ATR is on the minus strand). VCF-style: chr3-142498744-A-C. GRCh37 (hg19) VCF-style: chr3-142217586-A-C.
Other names: c.5219T>G, p.Leu1740Arg (NM_001354579.2); short protein forms L1740R, L1804R.
Identifiers: ClinVar variation 3221212 (VCV003221212.1), dbSNP rs2108341699, ClinGen allele CA354816267.